The following is an entry in ClinVar:

ClinVar aggregate classification (germline): Uncertain significance. Review status: criteria provided, multiple submitters, no conflicts (2 of 4 stars). 2 submissions from 2 submitters: Uncertain significance (2). Last evaluated 2025-06-09.

Conditions:
Catecholaminergic polymorphic ventricular tachycardia (CVPT). Also called: Catecholamine-induced polymorphic ventricular tachycardia. Identifiers: Orphanet 3286, MedGen C5574922, MONDO:0017990.
Cardiomyopathy (CMYO). Also called: Cardiomyopathies. Identifiers: Orphanet 167848, MedGen C0878544, MONDO:0004994, HP:0001638. Inheritance: Various modes of inheritance.

gnomAD v4.1: 2 of 1,612,706 alleles (0.00012%); highest among the groups gnomAD compares: South Asian, 0.0022%; no homozygotes.

Submissions (2):

Color Diagnostics, LLC DBA Color Health
Classification: Uncertain significance for Cardiomyopathy. Last evaluated: 2025-06-09. Review status: criteria provided, single submitter. Criteria: ACMG Guidelines, 2015. Collection method: clinical testing. Allele origin: germline.
Comment: This missense variant replaces serine with asparagine at codon 2924 of the RYR2 protein. Computational prediction suggests that this variant may not impact protein structure and function. To our knowledge, functional studies have not been reported for this variant. This variant has not been reported in individuals affected with RYR2-related disorders in the literature. This variant has not been identified in the general population by the Genome Aggregation Database (gnomAD). The available evidence is insufficient to determine the role of this variant in disease conclusively. Therefore, this variant is classified as a Variant of Uncertain Significance.

All of Us Research Program, National Institutes of Health
Classification: Uncertain significance for Catecholaminergic polymorphic ventricular tachycardia. Last evaluated: 2024-05-17. Review status: criteria provided, single submitter. Criteria: ACMG Guidelines, 2015. Collection method: clinical testing. Allele origin: germline. Inheritance: Autosomal dominant inheritance. Observed: 2 variant alleles, 2 heterozygotes.
Comment: This study involves interpretation of variants in research participants for the purpose of population health screening. Participant phenotype was not available at the time of variant classification. Additional details can be found in publication PMID: 35346344, PMCID: PMC8962531

NM_001035.3(RYR2):c.8771G>A (p.Ser2924Asn)

Gene: RYR2 (ryanodine receptor 2; plus strand). Cytogenetic location: 1q43.
Variant type: single nucleotide variant.
Coding change: c.8771G>A on transcript NM_001035.3 (MANE Select); coding-DNA position 8771, G replaced by A.
Protein change: p.Ser2924Asn; replaces serine 2924 with asparagine.
Molecular consequence: missense variant.
Genome position (GRCh38, 1-based): chr1:237,674,787, G>A. VCF-style: chr1-237674787-G-A. GRCh37 (hg19) VCF-style: chr1-237838087-G-A.
Other names: short protein forms S2924N.
Identifiers: ClinVar variation 3385803 (VCV003385803.2).
Genomic context (GRCh38, chr1:237,674,787, plus strand): 5'-CCAGAGGATTTAAGGACCTGGAACTGGACACGCCTTCTATTGAGAAACGATTTGCCTATA[G>A]TTTCCTCCAACAACTCATTCGCTATGTGGATGAAGCCCATCAGTATATCCTGGAGTTTGG-3'
Protein context (NP_001026.2, residues 2914-2934): TPSIEKRFAY[Ser2924Asn]FLQQLIRYVD